The following is an entry in ClinVar:

ClinVar aggregate classification (germline): Benign. Review status: criteria provided, multiple submitters, no conflicts (2 of 4 stars). 4 submissions from 4 submitters: Benign (3). 1 of the submissions does not count toward it. Last evaluated 2026-02-04.

Conditions:
Immunodeficiency 23 (IMD23). Also called: IMMUNODEFICIENCY WITH HYPER IgE AND COGNITIVE IMPAIRMENT; IMMUNODEFICIENCY-VASCULITIS-MYOCLONUS SYNDROME. Identifiers: Orphanet 443811, MedGen C4014371, MONDO:0014353, OMIM 615816.
PGM3-related disorder. Also called: PGM3-related condition.

Allele frequency attached by ClinVar (database versions not stated): gnomAD exomes 0.00175 and 0.00445; ExAC 0.00530; gnomAD 0.01701 and 0.01824; 1000 Genomes Project 0.01817; ESP Exome Variant Server 0.01876; TOPMed 0.01877; 1000 Genomes Project 30x 0.01983.
gnomAD v4.1: 5,311 of 1,614,108 alleles (0.33%); highest among the groups gnomAD compares: African/African-American, 5.7%; 145 homozygotes.

Submissions (4):

Labcorp Genetics (formerly Invitae), Labcorp
Classification: Benign for Immunodeficiency 23. Last evaluated: 2026-02-04. Review status: criteria provided, single submitter. Criteria: Invitae Variant Classification Sherloc (09022015). Collection method: clinical testing. Allele origin: germline.

Women's Health and Genetics/Laboratory Corporation of America, LabCorp
Classification: Benign. Last evaluated: 2026-01-21. Review status: criteria provided, single submitter. Criteria: LabCorp Variant Classification Summary - May 2015. Collection method: clinical testing. Allele origin: germline.

GeneDx
Classification: Benign. Last evaluated: 2019-08-06. Review status: criteria provided, single submitter. Criteria: GeneDx Variant Classification Process June 2021. Collection method: clinical testing. Allele origin: germline. Affected: yes.

PreventionGenetics, part of Exact Sciences
Classification: Benign for PGM3-related condition. Last evaluated: 2019-07-11. Review status: no assertion criteria provided. Collection method: clinical testing. Allele origin: germline. Not counted in ClinVar's aggregate classification.
Comment: This variant is classified as benign based on ACMG/AMP sequence variant interpretation guidelines (Richards et al. 2015 PMID: 25741868, with internal and published modifications).

NM_015599.3(PGM3):c.1464C>T (p.Tyr488=)

Genes: DOP1A (DOP1 leucine zipper like protein A; plus strand), PGM3 (phosphoglucomutase 3; minus strand). Cytogenetic location: 6q14.1.
Variant type: single nucleotide variant.
Coding change: c.1464C>T on transcript NM_015599.3 (MANE Select); coding-DNA position 1464, C replaced by T.
Protein change: p.Tyr488=; no amino-acid change (tyrosine 488 retained).
Molecular consequence: synonymous variant. On other transcripts: non-coding transcript variant (1).
Genome position (GRCh38, 1-based): chr6:83,170,380, G>A on the plus strand (C>T on the coding strand, the complement: PGM3 is on the minus strand). VCF-style: chr6-83170380-G-A. GRCh37 (hg19) VCF-style: chr6-83880099-G-A.
Other names: c.1548C>T, p.Tyr516= (NM_001199917.2, NM_001367287.1); c.1221C>T, p.Tyr407= (NM_001199918.2); c.1464C>T, p.Tyr488= (NM_001199919.2); c.1341C>T, p.Tyr447= (NM_001367286.1).
Identifiers: ClinVar variation 475001 (VCV000475001.18), dbSNP rs34873318, ClinGen allele CA3906514.